The following is an entry in ClinVar:

NM_015354.3(NUP188):c.4987A>C (p.Ile1663Leu)

Gene: NUP188 (nucleoporin 188; plus strand). Cytogenetic location: 9q34.11.
Variant type: single nucleotide variant.
Coding change: c.4987A>C on transcript NM_015354.3 (MANE Select); coding-DNA position 4987, A replaced by C.
Protein change: p.Ile1663Leu; replaces isoleucine 1663 with leucine.
Molecular consequence: missense variant.
Genome position (GRCh38, 1-based): chr9:129,006,282, A>C. VCF-style: chr9-129006282-A-C. GRCh37 (hg19) VCF-style: chr9-131768561-A-C.
Other names: short protein forms I1663L.
Identifiers: ClinVar variation 1321555 (VCV001321555.4), dbSNP rs770393287, ClinGen allele CA5273525.

ClinVar aggregate classification (germline): Uncertain significance. Review status: criteria provided, multiple submitters, no conflicts (2 of 4 stars). 2 submissions from 2 submitters: Uncertain significance (2). Last evaluated 2025-10-08.

Allele frequency attached by ClinVar (database versions not stated): gnomAD 0.00001 and 0.00003; gnomAD exomes 0.00002 and 0.00004; ExAC 0.00005; TOPMed 0.00008.
gnomAD v4.1: 30 of 1,614,008 alleles (0.0019%); highest among the groups gnomAD compares: South Asian, 0.0033%; no homozygotes.

Submissions (2):

GeneDx
Classification: Uncertain significance. Last evaluated: 2025-10-08. Review status: criteria provided, single submitter. Criteria: GeneDx Variant Classification Process June 2021. Collection method: clinical testing. Allele origin: germline. Affected: yes.
Comment: In silico analysis suggests that this missense variant does not alter protein structure/function; Has not been previously published as pathogenic or benign to our knowledge

Breakthrough Genomics
Classification: Uncertain significance. Review status: criteria provided, single submitter. Criteria: ACMG Guidelines, 2015. Collection method: not provided. Allele origin: germline. Inheritance: Autosomal recessive inheritance. Affected: yes.